The following is an entry in ClinVar:

ClinVar aggregate classification (germline): Likely pathogenic (1 of 4 stars; one submission).

Submission:

CeGaT Center for Human Genetics Tuebingen
Classification: Likely pathogenic. Last evaluated: 2024-09-01. Review status: criteria provided, single submitter. Criteria: CeGaT Center For Human Genetics Tuebingen Variant Classification Criteria Version 2. Collection method: clinical testing. Allele origin: germline. Affected: yes. Observed: 1 variant allele.
Comment: RAG2: PVS1:Strong, PM2

NM_000536.4(RAG2):c.413_414dup (p.Gly139fs)

Gene: RAG2 (recombination activating 2; minus strand). Cytogenetic location: 11p12.
Variant type: Microsatellite.
Coding change: c.413_414dup on transcript NM_000536.4 (MANE Select); coding-DNA positions 413 to 414, 2 bases duplicated (AT; older notation c.413_414dupAT).
Protein change: p.Gly139fs; shifts the reading frame from glycine 139.
Molecular consequence: frameshift variant.
Genome position (GRCh38, 1-based): chr11:36,593,755-36,593,756, AT duplicated on the plus strand (AT on the coding strand, the reverse complement: RAG2 is on the minus strand); duplicating any 2 consecutive bases within chr11:36,593,755-36,593,758 gives the same sequence; the c. name uses the placement nearest the transcript's 3' end. VCF-style (leftmost placement, unchanged base first): chr11-36593754-C-CAT. GRCh37 (hg19) VCF-style: chr11-36615304-C-CAT.
Other names: c.413_414dup, p.Gly139fs (NM_001243785.2, NM_001243786.2); short protein forms G139fs.
Identifiers: ClinVar variation 3389534 (VCV003389534.14).
Genomic context (GRCh38, chr11:36,593,754, plus strand): 5'-GTCCTCCAAAGAGAACACCCATACTTTTCCCTCGGCTGTACACCACATTAATGGAATGAC[C>CAT]ATATCTGGCTTCAGGAACATCTCCTACCAAGTCTTTCTCTGTGCAGCGAAAAGTAACCTT-3'